The following is an entry in ClinVar:

ClinVar aggregate classification (germline): Uncertain significance (1 of 4 stars; one submission).

Conditions:
Bloom syndrome (BLM). Also called: Bloom-Torre-Machacek syndrome. Identifiers: Orphanet 125, MedGen C0005859, MONDO:0008876, OMIM 210900.

Submission:

Labcorp Genetics (formerly Invitae), Labcorp
Classification: Uncertain significance for Bloom syndrome. Last evaluated: 2022-08-21. Review status: criteria provided, single submitter. Criteria: Invitae Variant Classification Sherloc (09022015). Collection method: clinical testing. Allele origin: germline.
Comment: In summary, the available evidence is currently insufficient to determine the role of this variant in disease. Therefore, it has been classified as a Variant of Uncertain Significance. Studies have shown that this variant is associated with altered splicing resulting in unknown protein product impact (Invitae). This variant has not been reported in the literature in individuals affected with BLM-related conditions. This variant is not present in population databases (gnomAD no frequency). This sequence change affects codon 800 of the BLM mRNA. It is a 'silent' change, meaning that it does not change the encoded amino acid sequence of the BLM protein.

NM_000057.4(BLM):c.2400C>A (p.Val800=)

Gene: BLM (BLM RecQ like helicase; plus strand). Cytogenetic location: 15q26.1.
Variant type: single nucleotide variant.
Coding change: c.2400C>A on transcript NM_000057.4 (MANE Select); coding-DNA position 2400, C replaced by A.
Protein change: p.Val800=; no amino-acid change (valine 800 retained).
Molecular consequence: synonymous variant.
Genome position (GRCh38, 1-based): chr15:90,769,225, C>A. VCF-style: chr15-90769225-C-A. GRCh37 (hg19) VCF-style: chr15-91312455-C-A.
Other names: c.2400C>A, p.Val800= (NM_001287246.2, NM_001287247.2); c.1275C>A, p.Val425= (NM_001287248.2).
Identifiers: ClinVar variation 2025820 (VCV002025820.4), dbSNP rs2505455059, ClinGen allele CA492301751.